The following is an entry in ClinVar:

ClinVar aggregate classification (germline): Uncertain significance (1 of 4 stars; one submission).

Conditions:
Hypertrophic cardiomyopathy. Also called: HYPERTROPHIC MYOCARDIOPATHY. Identifiers: Orphanet 217569, MedGen C0007194, MeSH D002312, MONDO:0005045, HP:0001639.

gnomAD v4.1: 1 of 1,614,150 alleles (0.000062%); no homozygotes.

Submission:

Labcorp Genetics (formerly Invitae), Labcorp
Classification: Uncertain significance for Hypertrophic cardiomyopathy. Last evaluated: 2025-08-01. Review status: criteria provided, single submitter. Criteria: Invitae Variant Classification Sherloc (09022015). Collection method: clinical testing. Allele origin: germline.
Comment: This sequence change replaces histidine, which is basic and polar, with arginine, which is basic and polar, at codon 97 of the MYH7 protein (p.His97Arg). This variant is not present in population databases (gnomAD no frequency). This variant has not been reported in the literature in individuals affected with MYH7-related conditions. Invitae Evidence Modeling of protein sequence and biophysical properties (such as structural, functional, and spatial information, amino acid conservation, physicochemical variation, residue mobility, and thermodynamic stability) indicates that this missense variant is expected to disrupt MYH7 protein function with a positive predictive value of 95%. In summary, the available evidence is currently insufficient to determine the role of this variant in disease. Therefore, it has been classified as a Variant of Uncertain Significance.

NM_000257.4(MYH7):c.290A>G (p.His97Arg)

Gene: MYH7 (myosin heavy chain 7; minus strand). Cytogenetic location: 14q11.2.
Variant type: single nucleotide variant.
Coding change: c.290A>G on transcript NM_000257.4 (MANE Select); coding-DNA position 290, A replaced by G.
Protein change: p.His97Arg; replaces histidine 97 with arginine.
Molecular consequence: missense variant.
Genome position (GRCh38, 1-based): chr14:23,433,139, T>C on the plus strand (A>G on the coding strand, the complement: MYH7 is on the minus strand). VCF-style: chr14-23433139-T-C. GRCh37 (hg19) VCF-style: chr14-23902348-T-C.
Other names: c.290A>G, p.His97Arg (NM_001407004.1); short protein forms H97R.
Identifiers: ClinVar variation 4801965 (VCV004801965.1).